The following is an entry in ClinVar:

ClinVar aggregate classification (germline): Likely benign (0 of 4 stars; one submission).

Conditions:
TMEM230-related disorder. Also called: TMEM230-related condition.

Submission:

PreventionGenetics, part of Exact Sciences
Classification: Likely benign for TMEM230-related condition. Last evaluated: 2021-05-14. Review status: no assertion criteria provided. Collection method: clinical testing. Allele origin: germline.
Comment: This variant is classified as likely benign based on ACMG/AMP sequence variant interpretation guidelines (Richards et al. 2015 PMID: 25741868, with internal and published modifications).

NM_001009925.2(TMEM230):c.-16+1351_-16+1353dup

Gene: TMEM230 (transmembrane protein 230; minus strand). Cytogenetic location: 20p12.3.
Variant type: Duplication.
Coding change: c.-16+1351_-16+1353dup on transcript NM_001009925.2 (MANE Select); bases 1351 to 1353 of the intron after 16 bases upstream of the start codon, 3 bases duplicated (TTT; older notation c.-16+1351_-16+1353dupTTT).
Molecular consequence: intron variant.
Genome position (GRCh38, 1-based): chr20:5,111,608-5,111,610, AAA duplicated on the plus strand (TTT on the coding strand, the reverse complement: TMEM230 is on the minus strand); duplicating any 3 consecutive bases within chr20:5,111,608-5,111,647 gives the same sequence; the c. name uses the placement nearest the transcript's 3' end. VCF-style (leftmost placement, unchanged base first): chr20-5111607-T-TAAA. GRCh37 (hg19) VCF-style: chr20-5092253-T-TAAA.
Other names: NM_001009923.1:c.69-5_69-3dupTTT; c.-16+1351_-16+1353dup (NM_001330987.2); c.-121-5_-121-3dup (NM_001423980.1, NM_001009924.2); c.-16+1133_-16+1135dup (NM_001330986.2); c.-16+1120_-16+1122dup (NM_014145.5); c.-16+154_-16+156dup (NM_001330984.2); c.-16+1110_-16+1112dup (NM_001330985.2).
Identifiers: ClinVar variation 3031742 (VCV003031742.2), dbSNP rs758119588, ClinGen allele CA745291818.